The following is an entry in ClinVar:

ClinVar aggregate classification (germline): Uncertain significance. Review status: criteria provided, multiple submitters, no conflicts (2 of 4 stars). 2 submissions from 2 submitters: Uncertain significance (2). Last evaluated 2022-10-20.

Conditions:
B-cell immunodeficiency, distal limb anomalies, and urogenital malformations. Also called: HOFFMAN SYNDROME; BILU SYNDROME. Identifiers: Orphanet 567502, MedGen C1836437, MONDO:0012243, OMIM 609296.

Submissions (2):

Baylor Genetics
Classification: Uncertain significance for B-cell immunodeficiency, distal limb anomalies, and urogenital malformations. Last evaluated: 2022-10-20. Review status: criteria provided, single submitter. Criteria: ACMG Guidelines, 2015. Collection method: clinical testing. Allele origin: unknown.

Wangler Lab, Baylor College of Medicine
Classification: Uncertain significance for B-cell immunodeficiency, distal limb anomalies, and urogenital malformations. Review status: criteria provided, single submitter. Criteria: ACMG Guidelines, 2015. Collection method: clinical testing. Allele origin: unknown. Inheritance: Autosomal dominant inheritance. Affected: yes.
Comment: This TOP2B variant c.2848G>T (p.V950L) was seen on exome through the Texome project (R01HG011795). It has not been observed in gnomAD (PM2). This variant lies within the coding region near the splice site. This variant is predicted to be deleterious and likely cause a splicing defect (CADD: 32.000, SpliceAI: 0.620) (PP3). The evolutionary conservation of this residue is high. We classify this variant as a variant of uncertain significance.

NM_001330700.2(TOP2B):c.2863G>T (p.Val955Leu)

Gene: TOP2B (DNA topoisomerase II beta; minus strand). Cytogenetic location: 3p24.2.
Variant type: single nucleotide variant.
Coding change: c.2863G>T on transcript NM_001330700.2 (MANE Select); coding-DNA position 2863, G replaced by T.
Protein change: p.Val955Leu; replaces valine 955 with leucine.
Molecular consequence: missense variant.
Genome position (GRCh38, 1-based): chr3:25,620,062, C>A on the plus strand (G>T on the coding strand, the complement: TOP2B is on the minus strand). VCF-style: chr3-25620062-C-A. GRCh37 (hg19) VCF-style: chr3-25661553-C-A.
Other names: c.2848G>T, p.Val950Leu (NM_001068.3); short protein forms V950L, V955L.
Identifiers: ClinVar variation 1712489 (VCV001712489.3), dbSNP rs2470326875, ClinGen allele CA351899085.
Genomic context (GRCh38, chr3:25,620,062, plus strand): 5'-TTAATGCTGGTGTTTTATCTGTTCCATTTAGCATAGGTTCTAAAACCTGTTCTTTATATA[C>A]CTATAAAGATTTAAAAATTAGTGATTCTTTTCATGACACACTCTCATGTTCTCATACTAC-3'
Protein context (NP_001317629.1, residues 945-965): TELPVRTWTQ[Val955Leu]YKEQVLEPML